The following is an entry in ClinVar:

NM_001267550.2(TTN):c.105581C>T (p.Ser35194Phe)

Genes: TTN-AS1 (TTN antisense RNA 1; plus strand), TTN (titin; minus strand), LOC129935183 (ATAC-STARR-seq lymphoblastoid active region 16808; plus strand). Cytogenetic location: 2q31.2.
Variant type: single nucleotide variant.
Coding change: c.105581C>T on transcript NM_001267550.2 (MANE Select); coding-DNA position 105581, C replaced by T.
Protein change: p.Ser35194Phe; replaces serine 35194 with phenylalanine.
Molecular consequence: missense variant.
Genome position (GRCh38, 1-based): chr2:178,531,034, G>A on the plus strand (C>T on the coding strand, the complement: TTN is on the minus strand). VCF-style: chr2-178531034-G-A. GRCh37 (hg19) VCF-style: chr2-179395761-G-A.
Other names: c.100658C>T, p.Ser33553Phe (NM_001256850.1); c.78386C>T, p.Ser26129Phe (NM_003319.4); c.97877C>T, p.Ser32626Phe (NM_133378.4); c.78761C>T, p.Ser26254Phe (NM_133432.3); c.78962C>T, p.Ser26321Phe (NM_133437.4); short protein forms S26129F, S32626F, S35194F, S26254F, S26321F, S33553F.
Identifiers: ClinVar variation 2085758 (VCV002085758.4), dbSNP rs2468393881, ClinGen allele CA349408473.

ClinVar aggregate classification (germline): Uncertain significance (1 of 4 stars; one submission).

Conditions:
Dilated cardiomyopathy 1G (CMD1G). Identifiers: Orphanet 154, MedGen C1858763, MONDO:0011400, OMIM 604145.
Autosomal recessive limb-girdle muscular dystrophy type 2J (LGMDR10). Also called: Limb-girdle muscular dystrophy, type 2J; MUSCULAR DYSTROPHY, LIMB-GIRDLE, AUTOSOMAL RECESSIVE 10. Identifiers: Orphanet 140922, MedGen C1837342, MONDO:0012127, OMIM 608807.

Submission:

Labcorp Genetics (formerly Invitae), Labcorp
Classification: Uncertain significance for Dilated cardiomyopathy 1G; Autosomal recessive limb-girdle muscular dystrophy type 2J. Last evaluated: 2025-10-02. Review status: criteria provided, single submitter. Criteria: Invitae Variant Classification Sherloc (09022015). Collection method: clinical testing. Allele origin: germline.
Comment: This sequence change replaces serine, which is neutral and polar, with phenylalanine, which is neutral and non-polar, at codon 35194 of the TTN protein (p.Ser35194Phe). This variant is not present in population databases (gnomAD no frequency). This variant has not been reported in the literature in individuals affected with TTN-related conditions. ClinVar contains an entry for this variant (Variation ID: 2085758). Experimental studies and prediction algorithms are not available or were not evaluated, and the functional significance of this variant is currently unknown. This variant is located in the M band of TTN (PMID: 25589632). Non-truncating variants in this region may be relevant for neuromuscular disorders, but have not been definitively shown to cause cardiomyopathy (PMID: 23975875). In summary, the available evidence is currently insufficient to determine the role of this variant in disease. Therefore, it has been classified as a Variant of Uncertain Significance.

Literature cited by the submitters: PubMed 25589632; PubMed 23975875.